The following is an entry in ClinVar:

NM_007294.4(BRCA1):c.1254G>A (p.Glu418=)

Gene: BRCA1 (BRCA1 DNA repair associated; minus strand). Cytogenetic location: 17q21.31.
Variant type: single nucleotide variant.
Coding change: c.1254G>A on transcript NM_007294.4 (MANE Select); coding-DNA position 1254, G replaced by A.
Protein change: p.Glu418=; no amino-acid change (glutamic acid 418 retained).
Molecular consequence: synonymous variant. On other transcripts: intron variant (137).
Genome position (GRCh38, 1-based): chr17:43,094,277, C>T on the plus strand (G>A on the coding strand, the complement: BRCA1 is on the minus strand). VCF-style: chr17-43094277-C-T. GRCh37 (hg19) VCF-style: chr17-41246294-C-T.
Other names: c.1041G>A, p.Glu347= (NM_001407571.1, NM_001407853.1, NM_001407894.1 and 9 more transcripts); c.1254G>A, p.Glu418= (NM_001407581.1, NM_001407582.1, NM_001407583.1 and 30 more transcripts); c.1251G>A, p.Glu417= (NM_001407587.1, NM_001407590.1, NM_001407591.1 and 22 more transcripts); c.1245G>A, p.Glu415= (NM_001407646.1, NM_001407647.1); c.1131G>A, p.Glu377= (NM_001407648.1, NM_001407664.1, NM_001407665.1 and 19 more transcripts); c.1128G>A, p.Glu376= (NM_001407649.1, NM_001407670.1, NM_001407671.1 and 11 more transcripts); c.1176G>A, p.Glu392= (NM_001407653.1, NM_001407654.1, NM_001407655.1 and 4 more transcripts); c.1173G>A, p.Glu391= (NM_001407659.1, NM_001407660.1, NM_001407661.1 and 1 more transcripts); and 40 more.
Identifiers: ClinVar variation 185128 (VCV000185128.18), dbSNP rs786201948, ClinGen allele CA000826.

ClinVar aggregate classification (germline): Likely benign. Review status: reviewed by expert panel (3 of 4 stars). 4 submissions from 4 submitters: Likely benign (1). 3 of the submissions do not count toward it. Last evaluated 2017-06-29.

Conditions:
Hereditary breast ovarian cancer syndrome. Also called: Hereditary breast and ovarian cancer syndrome; Hereditary breast and ovarian cancer syndrome (HBOC); BRCA1- and BRCA2-Associated Hereditary Breast and Ovarian Cancer; Breast and ovarian cancer; Hereditary breast and ovarian cancer; Hereditary breast and/or ovarian cancer syndrome. Identifiers: Orphanet 145, MedGen C0677776, MeSH D061325, MONDO:0003582. Disease mechanism: loss of function.
Hereditary cancer-predisposing syndrome. Also called: Hereditary Cancer Syndrome; Hereditary neoplastic syndrome; Tumor predisposition; Neoplastic Syndromes, Hereditary. Identifiers: Orphanet 140162, MedGen C0027672, MeSH D009386, MONDO:0015356.
Breast-ovarian cancer, familial, susceptibility to, 1 (BROVCA1). Also called: OVARIAN CANCER, SUSCEPTIBILITY TO; BRCA1 Hereditary Breast and Ovarian Cancer. Identifiers: Orphanet 145, MedGen C2676676, MONDO:0011450, OMIM 604370. Disease mechanism: loss of function.
BRCA1-related cancer predisposition. Identifiers: MedGen CN377757, MONDO:0700268.

Allele frequency attached by ClinVar (database versions not stated): gnomAD exomes below 0.00001.
gnomAD v4.1: 1 of 1,614,158 alleles (0.000062%); highest among the groups gnomAD compares: South Asian, 0.0011%; no homozygotes.

Submissions (4):

Evidence-based Network for the Interpretation of Germline Mutant Alleles (ENIGMA)
Classification: Likely benign for Breast-ovarian cancer, familial, susceptibility to, 1. Last evaluated: 2017-06-29. Review status: reviewed by expert panel. Criteria: ENIGMA BRCA1/2 Classification Criteria (2017-06-29). Collection method: curation. Allele origin: germline.
Comment: Synonymous substitution variant, with low bioinformatic likelihood to result in a splicing aberration (Splicing prior probability 0.02).

All of Us Research Program, National Institutes of Health
Classification: Likely benign for BRCA1-related cancer predisposition. Last evaluated: 2024-05-30. Review status: criteria provided, single submitter. Criteria: ACMG Guidelines, 2015. Collection method: clinical testing. Allele origin: germline. Inheritance: Autosomal dominant inheritance. Observed: 1 variant allele, 1 heterozygote. Not counted in ClinVar's aggregate classification.
Comment: This study involves interpretation of variants in research participants for the purpose of population health screening. Participant phenotype was not available at the time of variant classification. Additional details can be found in publication PMID: 35346344, PMCID: PMC8962531

Labcorp Genetics (formerly Invitae), Labcorp
Classification: Likely benign for Hereditary breast ovarian cancer syndrome. Last evaluated: 2024-02-23. Review status: criteria provided, single submitter. Criteria: Invitae Variant Classification Sherloc (09022015). Collection method: clinical testing. Allele origin: germline. Not counted in ClinVar's aggregate classification.

Ambry Genetics
Classification: Likely benign for Hereditary cancer-predisposing syndrome. Last evaluated: 2021-09-13. Review status: criteria provided, single submitter. Criteria: Ambry Variant Classification Scheme 2023. Collection method: clinical testing. Allele origin: germline. Not counted in ClinVar's aggregate classification.